The following is an entry in ClinVar:

ClinVar aggregate classification (germline): Benign (1 of 4 stars; one submission).

Conditions:
Ehlers-Danlos syndrome, type 4 (EDSVASC). Also called: Ehlers-Danlos Syndrome Type IV; Ehlers-Danlos syndrome vascular type; Ehlers Danlos syndrome, ecchymotic type; Ehlers Danlos syndrome, arterial type; Ehlers Danlos syndrome, Sack-Barabas type. Identifiers: Orphanet 286, MedGen C0268338, MONDO:0017314, OMIM 130050.

Allele frequency attached by ClinVar (database versions not stated): gnomAD 0.00183 and 0.00194; TOPMed 0.00217; 1000 Genomes Project 0.00280; 1000 Genomes Project 30x 0.00281.

Submission:

Illumina Laboratory Services, Illumina
Classification: Benign for Ehlers-Danlos syndrome, type 4. Last evaluated: 2018-01-13. Review status: criteria provided, single submitter. Criteria: ICSL Variant Classification Criteria 13 December 2019. Collection method: clinical testing. Allele origin: germline.
Comment: This variant was observed in the ICSL laboratory as part of a predisposition screen in an ostensibly healthy population. It had not been previously curated by ICSL or reported in the Human Gene Mutation Database (HGMD: prior to June 1st, 2018), and was therefore a candidate for classification through an automated scoring system. Utilizing variant allele frequency, disease prevalence and penetrance estimates, and inheritance mode, an automated score was calculated to assess if this variant is too frequent to cause the disease. Based on the score and internal cut-off values, a variant classified as benign is not then subjected to further curation. The score for this variant resulted in a classification of benign for this disease.

NM_000090.4(COL3A1):c.*828G>T

Gene: COL3A1 (collagen type III alpha 1 chain; plus strand). Cytogenetic location: 2q32.2.
Variant type: single nucleotide variant.
Coding change: c.*828G>T on transcript NM_000090.4 (MANE Select); 828 bases downstream of the stop codon, G replaced by T.
Molecular consequence: 3 prime UTR variant.
Genome position (GRCh38, 1-based): chr2:189,012,602, G>T. VCF-style: chr2-189012602-G-T. GRCh37 (hg19) VCF-style: chr2-189877328-G-T.
Identifiers: ClinVar variation 895075 (VCV000895075.4), dbSNP rs372150712, ClinGen allele CA62565729.
Genomic context (GRCh38, chr2:189,012,602, plus strand): 5'-CTCCCATCAGAAAGATTCATTGGCATGCCACAGGGGATTCTCCTCCTTCATCCTGTAAAG[G>T]TCAACAATAAAAACCAAATTATGGGGCTGCTTTTGTCACACTAGCATAGAGAATGTGTTG-3'